The following is an entry in ClinVar:

NM_022455.5(NSD1):c.5137T>C (p.Cys1713Arg)

Gene: NSD1 (nuclear receptor binding SET domain protein 1; plus strand). Cytogenetic location: 5q35.3.
Variant type: single nucleotide variant.
Coding change: c.5137T>C on transcript NM_022455.5 (MANE Select); coding-DNA position 5137, T replaced by C.
Protein change: p.Cys1713Arg; replaces cysteine 1713 with arginine.
Molecular consequence: missense variant.
Genome position (GRCh38, 1-based): chr5:177,260,159, T>C. VCF-style: chr5-177260159-T-C. GRCh37 (hg19) VCF-style: chr5-176687160-T-C.
Other names: c.4264T>C, p.Cys1422Arg (NM_001365684.2, NM_001409308.1, NM_001409309.1 and 1 more transcripts); c.5137T>C, p.Cys1713Arg (NM_001409301.1, NM_001409302.1, NM_001409303.1); c.4717T>C, p.Cys1573Arg (NM_001409304.1); c.4384T>C, p.Cys1462Arg (NM_001409305.1); c.4375T>C, p.Cys1459Arg (NM_001409306.1, NM_001409307.1); short protein forms C1422R, C1459R, C1462R, C1573R, C1713R.
Identifiers: ClinVar variation 4535426 (VCV004535426.6).

ClinVar aggregate classification (germline): Uncertain significance (1 of 4 stars; one submission).

Submission:

CeGaT Center for Human Genetics Tuebingen
Classification: Uncertain significance. Last evaluated: 2025-11-01. Review status: criteria provided, single submitter. Criteria: CeGaT Center For Human Genetics Tuebingen Variant Classification Criteria Version 2. Collection method: clinical testing. Allele origin: germline. Affected: yes. Observed: 1 variant allele.
Comment: NSD1: PM2, PM5:Supporting, PP2, PP3